The following is an entry in ClinVar:

ClinVar aggregate classification (germline): Pathogenic (1 of 4 stars; one submission).

Conditions:
Retinoblastoma (RB1). Also called: RETINOBLASTOMA, SOMATIC. Identifiers: Orphanet 790, MedGen C0035335, MeSH D012175, MONDO:0008380, OMIM 180200, HP:0009919. Disease mechanism: loss of function. Inheritance: Both sporadic and heritable forms are tested..

Submission:

St. Jude Molecular Pathology, St. Jude Children's Research Hospital
Classification: Pathogenic for Retinoblastoma. Last evaluated: 2026-02-20. Review status: criteria provided, single submitter. Criteria: St. Jude Assertion Criteria 2020. Collection method: clinical testing. Allele origin: germline.
Comment: The RB1 c.1029del p.(Gln344ArgfsTer5) change deletes one nucleotide to cause a frameshift and the creation of a premature stop codon. Th is change is predicted to cause protein truncation or absence of protein due to nonsense-mediated decay. This variant is also absent in gnomAD v2.1.1. In summary, this variant meets criteria to be classified as pathogenic.

NM_000321.3(RB1):c.1029del (p.Gln344fs)

Gene: RB1 (RB transcriptional corepressor 1; plus strand). Cytogenetic location: 13q14.2.
Variant type: Deletion.
Coding change: c.1029del on transcript NM_000321.3 (MANE Select); coding-DNA position 1029, one base deleted (T; older notation c.1029delT).
Protein change: p.Gln344fs; shifts the reading frame from glutamine 344.
Molecular consequence: frameshift variant.
Genome position (GRCh38, 1-based): chr13:48,367,583, T deleted; the last of 2 consecutive T bases (chr13:48,367,582-48,367,583); deleting either gives the same sequence. VCF-style (leftmost placement, unchanged base first): chr13-48367581-CT-C. GRCh37 (hg19) VCF-style: chr13-48941717-CT-C.
Other names: c.1029delT, p.Gln344Argfs (NM_000321.2); c.1029del, p.Gln344fs (NM_001407165.1, NM_001407166.1); short protein forms Q344fs.
Identifiers: ClinVar variation 4813186 (VCV004813186.1).